The following is an entry in ClinVar:

NM_022047.4(DEF6):c.1601G>A (p.Arg534His)

Gene: DEF6 (DEF6 guanine nucleotide exchange factor; plus strand). Cytogenetic location: 6p21.31.
Variant type: single nucleotide variant.
Coding change: c.1601G>A on transcript NM_022047.4 (MANE Select); coding-DNA position 1601, G replaced by A.
Protein change: p.Arg534His; replaces arginine 534 with histidine.
Molecular consequence: missense variant.
Genome position (GRCh38, 1-based): chr6:35,320,903, G>A. VCF-style: chr6-35320903-G-A. GRCh37 (hg19) VCF-style: chr6-35288680-G-A.
Other names: c.1601G>A (NM_022047.3); short protein forms R534H.
Identifiers: ClinVar variation 1522981 (VCV001522981.4), dbSNP rs747695494, ClinGen allele CA3770961.
Genomic context (GRCh38, chr6:35,320,903, plus strand): 5'-ATGATGGTTCTGATCACTCCCCACTGGCCCTGTCCCCACAGGCTGCCCAGAGAAAACTGC[G>A]CCAGGCCAGCACCAACGTGAAACACTGGAATGTCCAGATGAACCGGCTGATGCATCCAAT-3'
Protein context (NP_071330.3, residues 524-544): EDVEAAQRKL[Arg534His]QASTNVKHWN

ClinVar aggregate classification (germline): Uncertain significance. Review status: criteria provided, multiple submitters, no conflicts (2 of 4 stars). 2 submissions from 2 submitters: Uncertain significance (2). Last evaluated 2024-11-13.

Allele frequency attached by ClinVar (database versions not stated): ExAC 0.00004; gnomAD exomes 0.00005 and 0.00008; TOPMed 0.00006; gnomAD 0.00007.
gnomAD v4.1: 126 of 1,609,722 alleles (0.0078%); highest among the groups gnomAD compares: Non-Finnish European, 0.0095%; no homozygotes.

Submissions (2):

Ambry Genetics
Classification: Uncertain significance. Last evaluated: 2024-11-13. Review status: criteria provided, single submitter. Criteria: Ambry Variant Classification Scheme 2023. Collection method: clinical testing. Allele origin: germline.

Labcorp Genetics (formerly Invitae), Labcorp
Classification: Uncertain significance. Last evaluated: 2022-08-19. Review status: criteria provided, single submitter. Criteria: Invitae Variant Classification Sherloc (09022015). Collection method: clinical testing. Allele origin: germline.
Comment: This sequence change replaces arginine, which is basic and polar, with histidine, which is basic and polar, at codon 534 of the DEF6 protein (p.Arg534His). This variant is present in population databases (rs747695494, gnomAD 0.008%). This variant has not been reported in the literature in individuals affected with DEF6-related conditions. ClinVar contains an entry for this variant (Variation ID: 1522981). Algorithms developed to predict the effect of missense changes on protein structure and function output the following: SIFT: "Deleterious"; PolyPhen-2: "Possibly Damaging"; Align-GVGD: "Class C0". The histidine amino acid residue is found in multiple mammalian species, which suggests that this missense change does not adversely affect protein function. In summary, the available evidence is currently insufficient to determine the role of this variant in disease. Therefore, it has been classified as a Variant of Uncertain Significance.